The following is an entry in ClinVar:

NM_002737.3(PRKCA):c.408T>C (p.Asp136=)

Genes: PRKCA (protein kinase C alpha; plus strand), LOC126862621 (P300/CBP strongly-dependent group 1 enhancer GRCh37_chr17:64640965-64642164; plus strand). Cytogenetic location: 17q24.2.
Variant type: single nucleotide variant.
Coding change: c.408T>C on transcript NM_002737.3 (MANE Select); coding-DNA position 408, T replaced by C.
Protein change: p.Asp136=; no amino-acid change (aspartic acid 136 retained).
Molecular consequence: synonymous variant.
Genome position (GRCh38, 1-based): chr17:66,645,390, T>C. VCF-style: chr17-66645390-T-C. GRCh37 (hg19) VCF-style: chr17-64641508-T-C.
Identifiers: ClinVar variation 3050837 (VCV003050837.2), dbSNP rs769965563, ClinGen allele CA8720715.
Genomic context (GRCh38, chr17:66,645,390, plus strand): 5'-GCGGTGGTTGGAGTCCATATGCCCAGCTCACCCTCTCCTTTCTTGATTCACAGCCTGCGA[T>C]ATGAACGTTCACAAGCAATGCGTCATCAATGTCCCCAGCCTCTGCGGAATGGATCACACT-3'
Protein context (NP_002728.2, residues 126-146): IHQGMKCDTC[Asp136=]MNVHKQCVIN

ClinVar aggregate classification (germline): Likely benign (0 of 4 stars; one submission).

Conditions:
PRKCA-related disorder. Also called: PRKCA-related condition.

Allele frequency attached by ClinVar (database versions not stated): gnomAD 0.00001; gnomAD exomes 0.00001; TOPMed 0.00001; ExAC 0.00002.
gnomAD v4.1: 20 of 1,614,112 alleles (0.0012%); highest among the groups gnomAD compares: Non-Finnish European, 0.0016%; no homozygotes.

Submission:

PreventionGenetics, part of Exact Sciences
Classification: Likely benign for PRKCA-related condition. Last evaluated: 2019-07-19. Review status: no assertion criteria provided. Collection method: clinical testing. Allele origin: germline.
Comment: This variant is classified as likely benign based on ACMG/AMP sequence variant interpretation guidelines (Richards et al. 2015 PMID: 25741868, with internal and published modifications).